The following is an entry in ClinVar:

NM_001458.5(FLNC):c.2744T>C (p.Val915Ala)

Gene: FLNC (filamin C; plus strand). Cytogenetic location: 7q32.1.
Variant type: single nucleotide variant.
Coding change: c.2744T>C on transcript NM_001458.5 (MANE Select); coding-DNA position 2744, T replaced by C.
Protein change: p.Val915Ala; replaces valine 915 with alanine.
Molecular consequence: missense variant.
Genome position (GRCh38, 1-based): chr7:128,843,510, T>C. VCF-style: chr7-128843510-T-C. GRCh37 (hg19) VCF-style: chr7-128483564-T-C.
Other names: c.2744T>C, p.Val915Ala (NM_001127487.2); short protein forms V915A.
Identifiers: ClinVar variation 3760561 (VCV003760561.2).

ClinVar aggregate classification (germline): Uncertain significance (1 of 4 stars; one submission).

Conditions:
Hypertrophic cardiomyopathy 26. Also called: Cardiomyopathy, familial hypertrophic, 26. Identifiers: Orphanet 75249, MedGen C4310749, MONDO:0014883, OMIM 617047.
Distal myopathy with posterior leg and anterior hand involvement. Also called: WILLIAMS DISTAL MYOPATHY. Identifiers: Orphanet 63273, MedGen C3279722, MONDO:0013550, OMIM 614065.
Myofibrillar myopathy 5. Also called: Filaminopathy (type); FILAMINOPATHY, AUTOSOMAL DOMINANT. Identifiers: Orphanet 171445, MedGen C1836050, MONDO:0012289, OMIM 609524.

gnomAD v4.1: 3 of 1,614,032 alleles (0.00019%); highest among the groups gnomAD compares: Admixed American, 0.005%; no homozygotes.

Submission:

Labcorp Genetics (formerly Invitae), Labcorp
Classification: Uncertain significance for Distal myopathy with posterior leg and anterior hand involvement; Myofibrillar myopathy 5; Hypertrophic cardiomyopathy 26. Last evaluated: 2024-02-08. Review status: criteria provided, single submitter. Criteria: Invitae Variant Classification Sherloc (09022015). Collection method: clinical testing. Allele origin: germline.
Comment: This sequence change replaces valine, which is neutral and non-polar, with alanine, which is neutral and non-polar, at codon 915 of the FLNC protein (p.Val915Ala). This variant is not present in population databases (gnomAD no frequency). This variant has not been reported in the literature in individuals affected with FLNC-related conditions. Advanced modeling of protein sequence and biophysical properties (such as structural, functional, and spatial information, amino acid conservation, physicochemical variation, residue mobility, and thermodynamic stability) has been performed at Invitae for this missense variant, however the output from this modeling did not meet the statistical confidence thresholds required to predict the impact of this variant on FLNC protein function. In summary, the available evidence is currently insufficient to determine the role of this variant in disease. Therefore, it has been classified as a Variant of Uncertain Significance.